The following is an entry in ClinVar:

ClinVar aggregate classification (germline): Uncertain significance (1 of 4 stars; one submission).

Allele frequency attached by ClinVar (database versions not stated): gnomAD exomes below 0.00001 and 0.00001.
gnomAD v4.1: 4 of 1,614,000 alleles (0.00025%); highest among the groups gnomAD compares: Non-Finnish European, 0.00034%; no homozygotes.

Submission:

Labcorp Genetics (formerly Invitae), Labcorp
Classification: Uncertain significance. Last evaluated: 2026-02-01. Review status: criteria provided, single submitter. Criteria: Invitae Variant Classification Sherloc (09022015). Collection method: clinical testing. Allele origin: germline.
Comment: This sequence change replaces glutamic acid, which is acidic and polar, with glutamine, which is neutral and polar, at codon 4480 of the MACF1 protein (p.Glu4480Gln). This variant is present in population databases (no rsID available, gnomAD 0.002%). This variant has not been reported in the literature in individuals affected with MACF1-related conditions. ClinVar contains an entry for this variant (Variation ID: 1354714). An algorithm developed to predict the effect of missense changes on protein structure and function (PolyPhen-2) suggests that this variant is likely to be disruptive. In summary, the available evidence is currently insufficient to determine the role of this variant in disease. Therefore, it has been classified as a Variant of Uncertain Significance.

NM_001394062.1(MACF1):c.19615G>C (p.Glu6539Gln)

Gene: MACF1 (microtubule actin crosslinking factor 1; plus strand). Cytogenetic location: 1p34.3.
Variant type: single nucleotide variant.
Coding change: c.19615G>C on transcript NM_001394062.1 (MANE Select); coding-DNA position 19615, G replaced by C.
Protein change: p.Glu6539Gln; replaces glutamic acid 6539 with glutamine.
Molecular consequence: missense variant.
Genome position (GRCh38, 1-based): chr1:39,447,441, G>C. VCF-style: chr1-39447441-G-C. GRCh37 (hg19) VCF-style: chr1-39913113-G-C.
Other names: c.13438G>C, p.Glu4480Gln (NM_012090.5); short protein forms E6539Q, E4480Q.
Identifiers: ClinVar variation 1354714 (VCV001354714.6), dbSNP rs1450494085, ClinGen allele CA339818194.
Genomic context (GRCh38, chr1:39,447,441, plus strand): 5'-TGAAATTGGCGCTTTTTCTTTCTGTGTGTGTGTGTTTTACTTGAAATTCAGTCAAAGCTG[G>C]AAGAGGCCCTCAACTTGGCAACAGAATTCCAGAATTCCCTACAAGAATTTATCAACTGGC-3'
Protein context (NP_001380991.1, residues 6529-6549): SKMEERKSKL[Glu6539Gln]EALNLATEFQ